The following is an entry in ClinVar:

NM_001005242.3(PKP2):c.2372A>G (p.Lys791Arg)

Gene: PKP2 (plakophilin 2; minus strand). Cytogenetic location: 12p11.21.
Variant type: single nucleotide variant.
Coding change: c.2372A>G on transcript NM_001005242.3 (MANE Select); coding-DNA position 2372, A replaced by G.
Protein change: p.Lys791Arg; replaces lysine 791 with arginine.
Molecular consequence: missense variant.
Genome position (GRCh38, 1-based): chr12:32,792,717, T>C on the plus strand (A>G on the coding strand, the complement: PKP2 is on the minus strand). VCF-style: chr12-32792717-T-C. GRCh37 (hg19) VCF-style: chr12-32945651-T-C.
Other names: c.2504A>G, p.Lys835Arg (NM_004572.4); short protein forms K791R, K835R.
Identifiers: ClinVar variation 919036 (VCV000919036.16), dbSNP rs372729739, ClinGen allele CA035684.
Genomic context (GRCh38, chr12:32,792,717, plus strand): 5'-TGATGCAGTTCCGTGTGTGCCCACAGAGAATACAGAAGGACGGAAGCAGCTTTACTTGCT[T>C]TGTTGGAGGCATAGCTGAAAAGAAAAGGACATTCTGAGATCAGGGAGAATGAGTGAGGCT-3'
Protein context (NP_001005242.2, residues 781-801): ISAGDAYASN[Lys791Arg]ASKAASVLLY

ClinVar aggregate classification (germline): Uncertain significance. Review status: criteria provided, multiple submitters, no conflicts (2 of 4 stars). 5 submissions from 5 submitters: Uncertain significance (5). Last evaluated 2025-12-09.

Conditions:
Cardiovascular phenotype. Identifiers: MedGen CN230736.
Arrhythmogenic right ventricular cardiomyopathy (ARVD). Also called: Arrhythmogenic cardiomyopathy; Cardiomyopathy, ARVC; Arrhythmogenic right ventricular dysplasia; Arrhythmogenic Right Ventricular Cardiomyopathy (ARVC). Identifiers: Orphanet 247, MedGen C0349788, MeSH D019571, MONDO:0016587. Disease mechanism: loss of function. Inheritance: Various modes of inheritance.
Cardiomyopathy (CMYO). Also called: Cardiomyopathies. Identifiers: Orphanet 167848, MedGen C0878544, MONDO:0004994, HP:0001638. Inheritance: Various modes of inheritance.
Arrhythmogenic right ventricular dysplasia 9 (ARVD9). Also called: Arrhythmogenic Right Ventricular Dysplasia/Cardiomyopathy 9; ARRHYTHMOGENIC RIGHT VENTRICULAR DYSPLASIA, FAMILIAL, 9. Identifiers: MedGen C1836906, MONDO:0012180, OMIM 609040.

Allele frequency attached by ClinVar (database versions not stated): ExAC 0.00001; gnomAD exomes 0.00001; gnomAD 0.00003; TOPMed 0.00003; ESP Exome Variant Server 0.00008.
gnomAD v4.1: 23 of 1,613,514 alleles (0.0014%); highest among the groups gnomAD compares: African/African-American, 0.004%; no homozygotes.

Submissions (5):

Labcorp Genetics (formerly Invitae), Labcorp
Classification: Uncertain significance for Arrhythmogenic right ventricular dysplasia 9. Last evaluated: 2025-12-09. Review status: criteria provided, single submitter. Criteria: Invitae Variant Classification Sherloc (09022015). Collection method: clinical testing. Allele origin: germline.
Comment: This sequence change replaces lysine, which is basic and polar, with arginine, which is basic and polar, at codon 835 of the PKP2 protein (p.Lys835Arg). This variant is present in population databases (rs372729739, gnomAD 0.003%). This missense change has been observed in individual(s) with Brugada syndrome (PMID: 26230511). ClinVar contains an entry for this variant (Variation ID: 919036). An algorithm developed to predict the effect of missense changes on protein structure and function (PolyPhen-2) suggests that this variant is likely to be disruptive. In summary, the available evidence is currently insufficient to determine the role of this variant in disease. Therefore, it has been classified as a Variant of Uncertain Significance.

Ambry Genetics
Classification: Uncertain significance for Cardiovascular phenotype. Last evaluated: 2025-11-05. Review status: criteria provided, single submitter. Criteria: Ambry Variant Classification Scheme 2023. Collection method: clinical testing. Allele origin: germline.

All of Us Research Program, National Institutes of Health
Classification: Uncertain significance for Arrhythmogenic right ventricular cardiomyopathy. Last evaluated: 2024-05-30. Review status: criteria provided, single submitter. Criteria: ACMG Guidelines, 2015. Collection method: clinical testing. Allele origin: germline. Inheritance: Autosomal dominant inheritance. Observed: 8 variant alleles, 8 heterozygotes.
Comment: This missense variant replaces lysine with arginine at codon 835 of the PKP2 protein. Computational prediction suggests that this variant may not impact protein structure and function (internally defined REVEL score threshold <= 0.5, PMID: 27666373). To our knowledge, functional studies have not been reported for this variant. This variant has been reported in an individual affected with Brugada syndrome (PMID: 27085656). This variant has been identified in 2/251406 chromosomes in the general population by the Genome Aggregation Database (gnomAD). The available evidence is insufficient to determine the role of this variant in disease conclusively. Therefore, this variant is classified as a Variant of Uncertain Significance.

This study involves interpretation of variants in research participants for the purpose of population health screening. Participant phenotype was not available at the time of variant classification. Additional details can be found in publication PMID: 35346344, PMCID: PMC8962531

Color Diagnostics, LLC DBA Color Health
Classification: Uncertain significance for Cardiomyopathy. Last evaluated: 2024-04-17. Review status: criteria provided, single submitter. Criteria: ACMG Guidelines, 2015. Collection method: clinical testing. Allele origin: germline.
Comment: This missense variant replaces lysine with arginine at codon 835 of the PKP2 protein. Computational prediction suggests that this variant may not impact protein structure and function (internally defined REVEL score threshold <= 0.5, PMID: 27666373). To our knowledge, functional studies have not been reported for this variant. This variant has been reported in an individual affected with Brugada syndrome (PMID: 27085656). This variant has been identified in 2/251406 chromosomes in the general population by the Genome Aggregation Database (gnomAD). The available evidence is insufficient to determine the role of this variant in disease conclusively. Therefore, this variant is classified as a Variant of Uncertain Significance.

GeneDx
Classification: Uncertain significance. Last evaluated: 2019-04-18. Review status: criteria provided, single submitter. Criteria: GeneDx Variant Classification Process June 2021. Collection method: clinical testing. Allele origin: germline. Affected: yes.
Comment: Identified in one individual with a clinical diagnosis of Brugada syndrome; segregation studies identified the variant in one affected relative and two unaffected relatives (Allegue et al., 2015); Not observed at a significant frequency in large population cohorts (Lek et al., 2016); In silico analysis, which includes protein predictors and evolutionary conservation, supports that this variant does not alter protein structure/function; Observed in conjunction with additional cardiogenetic variants in patients with cardiomyopathy referred for genetic testing at GeneDx; This variant is associated with the following publications: (PMID: 30821013, 27085656, 26230511)

Literature cited by the submitters: PubMed 26230511 (cited by Labcorp Genetics (formerly Invitae), Labcorp); PubMed 27085656 (cited by All of Us Research Program, National Institutes of Health and Color Diagnostics, LLC DBA Color Health).